The following is an entry in ClinVar:

NM_000548.5(TSC2):c.2656G>T (p.Val886Leu)

Gene: TSC2 (TSC complex subunit 2; plus strand). Cytogenetic location: 16p13.3.
Variant type: single nucleotide variant.
Coding change: c.2656G>T on transcript NM_000548.5 (MANE Select); coding-DNA position 2656, G replaced by T.
Protein change: p.Val886Leu; replaces valine 886 with leucine.
Molecular consequence: missense variant.
Genome position (GRCh38, 1-based): chr16:2,076,084, G>T. VCF-style: chr16-2076084-G-T. GRCh37 (hg19) VCF-style: chr16-2126085-G-T.
Other names: c.2656G>T, p.Val886Leu (NM_001077183.3, NM_001114382.3, NM_001363528.2 and 3 more transcripts); c.2545G>T, p.Val849Leu (NM_001318827.2); c.2509G>T, p.Val837Leu (NM_001318829.2); c.2056G>T, p.Val686Leu (NM_001318831.2); c.2689G>T, p.Val897Leu (NM_001318832.2); short protein forms V886L, V849L, V837L, V897L, V686L.
Identifiers: ClinVar variation 535905 (VCV000535905.8), dbSNP rs999523698, ClinGen allele CA394279221.

ClinVar aggregate classification (germline): Uncertain significance (1 of 4 stars; one submission).

Conditions:
Tuberous sclerosis 2 (TSC2). Identifiers: Orphanet 805, MedGen C1860707, MONDO:0013199, OMIM 613254.

Submission:

Labcorp Genetics (formerly Invitae), Labcorp
Classification: Uncertain significance for Tuberous sclerosis 2. Last evaluated: 2017-11-09. Review status: criteria provided, single submitter. Criteria: Invitae Variant Classification Sherloc (09022015). Collection method: clinical testing. Allele origin: germline.
Comment: In summary, the available evidence is currently insufficient to determine the role of this variant in disease. Therefore, it has been classified as a Variant of Uncertain Significance. Algorithms developed to predict the effect of missense changes on protein structure and function do not agree on the potential impact of this missense change (SIFT: "Deleterious"; PolyPhen-2: "Benign"; Align-GVGD: "Class C0"). This variant has not been reported in the literature in individuals with TSC2-related disease. This variant is not present in population databases (ExAC no frequency). This sequence change replaces valine with leucine at codon 886 of the TSC2 protein (p.Val886Leu). The valine residue is highly conserved and there is a small physicochemical difference between valine and leucine.